The following is an entry in ClinVar:

ClinVar aggregate classification (germline): Uncertain significance (1 of 4 stars; one submission).

Submission:

Labcorp Genetics (formerly Invitae), Labcorp
Classification: Uncertain significance. Last evaluated: 2020-07-03. Review status: criteria provided, single submitter. Criteria: Invitae Variant Classification Sherloc (09022015). Collection method: clinical testing. Allele origin: germline.
Comment: This sequence change creates a premature translational stop signal (p.Arg47Leufs*26) in the SAMD11 gene. It is expected to result in an absent or disrupted protein product. The frequency data for this variant in the population databases is not available, as this variant may be reported as separate entries in the ExAC database. This variant has not been reported in the literature in individuals with SAMD11-related conditions. The current clinical and genetic evidence is not sufficient to establish whether loss-of-function variants in SAMD11 cause disease. In summary, the available evidence is currently insufficient to determine the role of this variant in disease. Therefore, it has been classified as a Variant of Uncertain Significance.

NM_001385641.1(SAMD11):c.677_682delinsTTCTTCTG (p.Arg226fs)

Gene: SAMD11 (sterile alpha motif domain containing 11; plus strand). Cytogenetic location: 1p36.33.
Variant type: Indel.
Coding change: c.677_682delinsTTCTTCTG on transcript NM_001385641.1 (MANE Select); coding-DNA positions 677 to 682, GAACTC replaced by TTCTTCTG.
Protein change: p.Arg226fs; shifts the reading frame from arginine 226.
Molecular consequence: frameshift variant.
Genome position (GRCh38, 1-based): chr1:930,222-930,227, GAACTC replaced by TTCTTCTG. VCF-style: chr1-930222-GAACTC-TTCTTCTG. GRCh37 (hg19) VCF-style: chr1-865602-GAACTC-TTCTTCTG.
Other names: c.677_682delinsTTCTTCTG, p.Arg226fs (NM_001385640.1); c.140_145delinsTTCTTCTG, p.Arg47fs (NM_152486.4); short protein forms R226fs, R47fs.
Identifiers: ClinVar variation 998906 (VCV000998906.6), dbSNP rs1641106338, ClinGen allele CA1148682029.